The following is an entry in ClinVar:

ClinVar aggregate classification (germline): Uncertain significance (1 of 4 stars; one submission).

Conditions:
Hereditary cancer-predisposing syndrome. Also called: Neoplastic Syndromes, Hereditary; Tumor predisposition; Hereditary neoplastic syndrome; Hereditary Cancer Syndrome. Identifiers: Orphanet 140162, MedGen C0027672, MeSH D009386, MONDO:0015356.

Submission:

Ambry Genetics
Classification: Uncertain significance for Hereditary cancer-predisposing syndrome. Last evaluated: 2024-02-05. Review status: criteria provided, single submitter. Criteria: Ambry Variant Classification Scheme 2023. Collection method: clinical testing. Allele origin: germline.
Comment: The c.3322_3324delGGCinsTGT (also known as p.G1108C) variant, located in coding exon 21 of the TSC1 gene, results from an in-frame deletion of GGC and insertion of TGT at nucleotide positions 3322 to 3324. This results in the substitution of the glycine residue for a cysteine residue at codon 1108, an amino acid with highly dissimilar properties. This amino acid position is not well conserved in available vertebrate species. In addition, this alteration is predicted to be neutral by in silico analysis (Choi Y et al. PLoS ONE. 2012; 7(10):e46688). Based on the available evidence, the clinical significance of this alteration remains unclear.

NM_000368.5(TSC1):c.3322_3324delinsTGT (p.Gly1108Cys)

Gene: TSC1 (TSC complex subunit 1; minus strand). Cytogenetic location: 9q34.13.
Variant type: Indel.
Coding change: c.3322_3324delinsTGT on transcript NM_000368.5 (MANE Select); coding-DNA positions 3322 to 3324, GGC replaced by TGT.
Protein change: p.Gly1108Cys; replaces glycine 1108 with cysteine.
Molecular consequence: missense variant. On other transcripts: non-coding transcript variant (5).
Genome position (GRCh38, 1-based): chr9:132,896,406-132,896,408, GCC replaced by ACA on the plus strand (GGC replaced by TGT on the coding strand, the reverse complement: TSC1 is on the minus strand). VCF-style: chr9-132896406-GCC-ACA. GRCh37 (hg19) VCF-style: chr9-135771793-GCC-ACA.
Other names: c.3319_3321delinsTGT, p.Gly1107Cys (NM_001162426.2, NM_001406597.1, NM_001406598.1 and 2 more transcripts); c.3169_3171delinsTGT, p.Gly1057Cys (NM_001162427.2, NM_001406610.1); c.2959_2961delinsTGT, p.Gly987Cys (NM_001362177.2, NM_001406614.1, NM_001406615.1 and 4 more transcripts); c.3322_3324delinsTGT, p.Gly1108Cys (NM_001406592.1, NM_001406593.1, NM_001406594.1 and 2 more transcripts); c.3307_3309delinsTGT, p.Gly1103Cys (NM_001406601.1, NM_001406602.1); c.3304_3306delinsTGT, p.Gly1102Cys (NM_001406603.1, NM_001406604.1); c.3280_3282delinsTGT, p.Gly1094Cys (NM_001406605.1, NM_001406606.1, NM_001406607.1); c.3277_3279delinsTGT, p.Gly1093Cys (NM_001406608.1, NM_001406609.1); and 8 more; short protein forms G1042C, G1056C, G1057C, G1093C, G1094C, G1102C, G1103C, G1107C.
Identifiers: ClinVar variation 3231319 (VCV003231319.1), dbSNP rs2538433151, ClinGen allele CA2825001610.